The following is an entry in ClinVar:

NM_177438.3(DICER1):c.2679C>A (p.Asp893Glu)

Gene: DICER1 (dicer 1, ribonuclease III; minus strand). Cytogenetic location: 14q32.13.
Variant type: single nucleotide variant.
Coding change: c.2679C>A on transcript NM_177438.3 (MANE Select); coding-DNA position 2679, C replaced by A.
Protein change: p.Asp893Glu; replaces aspartic acid 893 with glutamic acid.
Molecular consequence: missense variant. On other transcripts: non-coding transcript variant (6).
Genome position (GRCh38, 1-based): chr14:95,107,733, G>T on the plus strand (C>A on the coding strand, the complement: DICER1 is on the minus strand). VCF-style: chr14-95107733-G-T. GRCh37 (hg19) VCF-style: chr14-95574070-G-T.
Other names: c.2679C>A, p.Asp893Glu (NM_001195573.1, NM_001271282.3, NM_001291628.2 and 12 more transcripts); c.2397C>A, p.Asp799Glu (NM_001395686.1); c.2274C>A, p.Asp758Glu (NM_001395687.1, NM_001395688.1, NM_001395689.1 and 2 more transcripts); c.2112C>A, p.Asp704Glu (NM_001395691.1); c.996C>A, p.Asp332Glu (NM_001395697.1); short protein forms D332E, D758E, D893E, D799E, D704E.
Identifiers: ClinVar variation 5035251 (VCV005035251.1).
Genomic context (GRCh38, chr14:95,107,733, plus strand): 5'-CTTTGTACTGGGAATGCCTATGCGAGCTTCAGACTTCTCAATATCTTCCATGAATTTAAA[G>T]TCAATATCCAAAGTGCTGGAGTCATTAACTTAGAAGAGAAAAACGACTCTTTAGCTTGTT-3'
Protein context (NP_803187.1, residues 883-903): VVNDSSTLDI[Asp893Glu]FKFMEDIEKS

ClinVar aggregate classification (germline): Uncertain significance (1 of 4 stars; one submission).

Conditions:
Hereditary cancer-predisposing syndrome. Also called: Hereditary Cancer Syndrome; Neoplastic Syndromes, Hereditary; Tumor predisposition; Hereditary neoplastic syndrome. Identifiers: Orphanet 140162, MedGen C0027672, MeSH D009386, MONDO:0015356.

Submission:

Ambry Genetics
Classification: Uncertain significance for Hereditary cancer-predisposing syndrome. Last evaluated: 2026-07-06. Review status: criteria provided, single submitter. Criteria: Ambry Variant Classification Scheme 2023. Collection method: clinical testing. Allele origin: germline.
Comment: The p.D893E variant (also known as c.2679C>A), located in coding exon 16 of the DICER1 gene, results from a C to A substitution at nucleotide position 2679. The aspartic acid at codon 893 is replaced by glutamic acid, an amino acid with highly similar properties. This amino acid position is conserved. In addition, the in silico prediction for this alteration is inconclusive. Based on the available evidence, the clinical significance of this variant remains unclear.